The following is an entry in ClinVar:

ClinVar aggregate classification (germline): Likely pathogenic. Review status: criteria provided, multiple submitters, no conflicts (2 of 4 stars). 2 submissions from 2 submitters: Likely pathogenic (2). Last evaluated 2023-04-07.

Conditions:
Muscular dystrophy, limb-girdle, autosomal dominant 4. Also called: MUSCULAR DYSTROPHY, LIMB-GIRDLE, TYPE 1I; Calpain-3-related limb-girdle muscular dystrophy D4. Identifiers: Orphanet 565909, MedGen C4748295, MONDO:0029133, OMIM 618129.
Autosomal recessive limb-girdle muscular dystrophy type 2A (LGMDR1). Also called: Limb-girdle muscular dystrophy, type 2A; Muscular dystrophy, limb-girdle, type 2A, Amish; Calpainopathy; LEYDEN-MOEBIUS MUSCULAR DYSTROPHY; MUSCULAR DYSTROPHY, PELVOFEMORAL. Identifiers: Orphanet 267, MedGen C1869123, MONDO:0009675, OMIM 253600. Disease mechanism: loss of function.

Submissions (2):

Baylor Genetics
Classification: Likely pathogenic for Muscular dystrophy, limb-girdle, autosomal dominant 4. Last evaluated: 2023-04-07. Review status: criteria provided, single submitter. Criteria: ACMG Guidelines, 2015. Collection method: clinical testing. Allele origin: unknown.

Neuberg Centre For Genomic Medicine, NCGM
Classification: Likely pathogenic for Autosomal recessive limb-girdle muscular dystrophy type 2A. Review status: criteria provided, single submitter. Criteria: ACMG Guidelines, 2015. Collection method: clinical testing. Allele origin: germline. Inheritance: Autosomal recessive inheritance. Affected: yes.
Comment: The frameshift variant c.1910dup (p.Gln638ThrfsTer8) in CAPN3 gene has not been reported previously as a pathogenic variant nor as a benign variant, to our knowledge. The p.Gln638ThrfsTer8 variant is novel (not in any individuals) in gnomAD Exomes and 1000 Genomes. This variant causes a frameshift starting with codon Glutamine 638, changes this amino acid to Threonine residue, and creates a premature Stop codon at position 8 of the new reading frame, denoted p.Gln638ThrfsTer8. For these reasons, this variant has been classified as Likely pathogenic

NM_000070.3(CAPN3):c.1910dup (p.Gln638fs)

Gene: CAPN3 (calpain 3; plus strand). Cytogenetic location: 15q15.1.
Variant type: Duplication.
Coding change: c.1910dup on transcript NM_000070.3 (MANE Select); coding-DNA position 1910, one base duplicated (C; older notation c.1910dupC).
Protein change: p.Gln638fs; shifts the reading frame from glutamine 638.
Molecular consequence: frameshift variant. On other transcripts: intron variant (3).
Genome position (GRCh38, 1-based): chr15:42,408,320, C duplicated; the last of 4 consecutive C bases (chr15:42,408,317-42,408,320); duplicating any one gives the same sequence. VCF-style (leftmost placement, unchanged base first): chr15-42408316-T-TC. GRCh37 (hg19) VCF-style: chr15-42700514-T-TC.
Other names: c.1892dup, p.Gln632fs (NM_024344.2); c.374dup, p.Gln126fs (NM_173088.2); c.*1008dup (NM_212464.2); c.*1585dup (NM_212467.2); c.1639-983dup (NM_173087.2); c.-81-983dup (NM_173090.2, NM_173089.2); short protein forms Q632fs, Q638fs, Q126fs.
Identifiers: ClinVar variation 2585336 (VCV002585336.2), dbSNP rs2548288015, ClinGen allele CA2582342610.